The following is an entry in ClinVar:

ClinVar aggregate classification (germline): Uncertain significance (1 of 4 stars; one submission).

Conditions:
Primary ciliary dyskinesia 33. Also called: CILIARY DYSKINESIA, PRIMARY, 33, WITHOUT SITUS INVERSUS. Identifiers: Orphanet 244, MedGen C4225230, MONDO:0014750, OMIM 616726.

Allele frequency attached by ClinVar (database versions not stated): gnomAD exomes below 0.00001; ExAC 0.00001.
gnomAD v4.1: 3 of 1,613,812 alleles (0.00019%); highest among the groups gnomAD compares: Admixed American, 0.0017%; no homozygotes.

Submission:

Labcorp Genetics (formerly Invitae), Labcorp
Classification: Uncertain significance for Primary ciliary dyskinesia 33. Last evaluated: 2019-12-30. Review status: criteria provided, single submitter. Criteria: Invitae Variant Classification Sherloc (09022015). Collection method: clinical testing. Allele origin: germline.
Comment: In summary, the available evidence is currently insufficient to determine the role of this variant in disease. Therefore, it has been classified as a Variant of Uncertain Significance. Algorithms developed to predict the effect of sequence changes on RNA splicing suggest that this variant may create or strengthen a splice site, but this prediction has not been confirmed by published transcriptional studies. Algorithms developed to predict the effect of missense changes on protein structure and function output the following: SIFT: "Tolerated"; PolyPhen-2: "Benign"; Align-GVGD: "Class C0". The glycine amino acid residue is found in multiple mammalian species, suggesting that this missense change does not adversely affect protein function. These predictions have not been confirmed by published functional studies and their clinical significance is uncertain. This variant has not been reported in the literature in individuals with GAS8-related conditions. This variant is present in population databases (rs771101764, ExAC 0.009%). This sequence change replaces serine with glycine at codon 156 of the GAS8 protein (p.Ser156Gly). The serine residue is weakly conserved and there is a small physicochemical difference between serine and glycine.

NM_001481.3(DRC4):c.466A>G (p.Ser156Gly)

Gene: DRC4 (dynein regulatory complex subunit 4; plus strand). Cytogenetic location: 16q24.3.
Variant type: single nucleotide variant.
Coding change: c.466A>G on transcript NM_001481.3 (MANE Select); coding-DNA position 466, A replaced by G.
Protein change: p.Ser156Gly; replaces serine 156 with glycine.
Molecular consequence: missense variant. On other transcripts: 5 prime UTR variant (1).
Genome position (GRCh38, 1-based): chr16:90,032,895, A>G. VCF-style: chr16-90032895-A-G. GRCh37 (hg19) VCF-style: chr16-90099303-A-G.
Other names: c.217A>G, p.Ser73Gly (NM_001286205.2); c.-56A>G (NM_001286208.2); c.391A>G, p.Ser131Gly (NM_001286209.2); short protein forms S131G, S73G, S156G.
Identifiers: ClinVar variation 838593 (VCV000838593.9), dbSNP rs771101764, ClinGen allele CA8257804.